The following is an entry in ClinVar:

ClinVar aggregate classification (germline): Uncertain significance (1 of 4 stars; one submission).

Conditions:
Febrile seizures, familial, 11 (FEB11). Also called: CONVULSIONS, FAMILIAL FEBRILE, 11. Identifiers: MedGen C3280734, MONDO:0024566, OMIM 614418.

Submission:

Labcorp Genetics (formerly Invitae), Labcorp
Classification: Uncertain significance for Febrile seizures, familial, 11. Last evaluated: 2019-10-16. Review status: criteria provided, single submitter. Criteria: Invitae Variant Classification Sherloc (09022015). Collection method: clinical testing. Allele origin: germline.
Comment: This variant is an out-of-frame deletion of the genomic region encompassing exon 2 of the CPA6 gene. This is expected to create a premature translational stop signal and result in an absent or disrupted protein product. This variant has not been reported in the literature in individuals with CPA6-related conditions. The current clinical and genetic evidence is not sufficient to establish whether loss-of-function variants in CPA6 cause disease. In summary, the available evidence is currently insufficient to determine the role of this variant in disease. Therefore, it has been classified as a Variant of Uncertain Significance.

NC_000008.11:g.(?_67624156)_(67624271_?)del

Gene: CPA6 (carboxypeptidase A6; minus strand). Cytogenetic location: 8q13.2.
Variant type: Deletion.
Identifiers: ClinVar variation 830838 (VCV000830838.5).